The following is an entry in ClinVar:

NM_002471.4(MYH6):c.5096G>A (p.Arg1699Gln)

Genes: MYH6 (myosin heavy chain 6; minus strand), LOC126861896 (BRD4-independent group 4 enhancer GRCh37_chr14:23854904-23856103; plus strand). Cytogenetic location: 14q11.2.
Variant type: single nucleotide variant.
Coding change: c.5096G>A on transcript NM_002471.4 (MANE Select); coding-DNA position 5096, G replaced by A.
Protein change: p.Arg1699Gln; replaces arginine 1699 with glutamine.
Molecular consequence: missense variant.
Genome position (GRCh38, 1-based): chr14:23,385,995, C>T on the plus strand (G>A on the coding strand, the complement: MYH6 is on the minus strand). VCF-style: chr14-23385995-C-T. GRCh37 (hg19) VCF-style: chr14-23855204-C-T.
Other names: short protein forms R1699Q.
Identifiers: ClinVar variation 3222350 (VCV003222350.3), dbSNP rs758526212, ClinGen allele CA7114548.
Genomic context (GRCh38, chr14:23,385,995, plus strand): 5'-TGCAGCAGCTGCACCCGCTCGCTGGTCTCAATCAGCTCCTGCTCCGCCAGCTTCCGGGAC[C>T]GCTCTGTCTGCTCCACCACGGCACGCAGCTCCTCCAGCTCAGCCTGCAGCAGGTTGTTGC-3'
Protein context (NP_002462.2, residues 1689-1709): ELRAVVEQTE[Arg1699Gln]SRKLAEQELI

ClinVar aggregate classification (germline): Uncertain significance. Review status: criteria provided, multiple submitters, no conflicts (2 of 4 stars). 2 submissions from 2 submitters: Uncertain significance (2). Last evaluated 2025-10-28.

Conditions:
Cardiovascular phenotype. Identifiers: MedGen CN230736.
Hypertrophic cardiomyopathy 14. Identifiers: MedGen C2750467, MONDO:0013197, OMIM 613251.

Allele frequency attached by ClinVar (database versions not stated): TOPMed 0.00003; gnomAD 0.00001; ExAC 0.00002.
gnomAD v4.1: 52 of 1,614,106 alleles (0.0032%); highest among the groups gnomAD compares: Middle Eastern, 0.033%; no homozygotes.

Submissions (2):

Labcorp Genetics (formerly Invitae), Labcorp
Classification: Uncertain significance for Hypertrophic cardiomyopathy 14. Last evaluated: 2025-10-28. Review status: criteria provided, single submitter. Criteria: Invitae Variant Classification Sherloc (09022015). Collection method: clinical testing. Allele origin: germline.
Comment: This sequence change replaces arginine, which is basic and polar, with glutamine, which is neutral and polar, at codon 1699 of the MYH6 protein (p.Arg1699Gln). This variant is present in population databases (rs758526212, gnomAD 0.004%). This variant has not been reported in the literature in individuals affected with MYH6-related conditions. ClinVar contains an entry for this variant (Variation ID: 3222350). Invitae Evidence Modeling of protein sequence and biophysical properties (such as structural, functional, and spatial information, amino acid conservation, physicochemical variation, residue mobility, and thermodynamic stability) indicates that this missense variant is expected to disrupt MYH6 protein function with a positive predictive value of 80%. In summary, the available evidence is currently insufficient to determine the role of this variant in disease. Therefore, it has been classified as a Variant of Uncertain Significance.

Ambry Genetics
Classification: Uncertain significance for Cardiovascular phenotype. Last evaluated: 2024-02-29. Review status: criteria provided, single submitter. Criteria: Ambry Variant Classification Scheme 2023. Collection method: clinical testing. Allele origin: germline.
Comment: The p.R1699Q variant (also known as c.5096G>A), located in coding exon 32 of the MYH6 gene, results from a G to A substitution at nucleotide position 5096. The arginine at codon 1699 is replaced by glutamine, an amino acid with highly similar properties. This amino acid position is well conserved in available vertebrate species. In addition, this alteration is predicted to be deleterious by in silico analysis. Based on the available evidence, the clinical significance of this alteration remains unclear.